The following is an entry in ClinVar:

ClinVar aggregate classification (germline): Uncertain significance (1 of 4 stars; one submission).

gnomAD v4.1: 4 of 1,611,332 alleles (0.00025%); highest among the groups gnomAD compares: Non-Finnish European, 0.000085%; no homozygotes.

Submission:

Labcorp Genetics (formerly Invitae), Labcorp
Classification: Uncertain significance. Last evaluated: 2025-12-08. Review status: criteria provided, single submitter. Criteria: Invitae Variant Classification Sherloc (09022015). Collection method: clinical testing. Allele origin: germline.
Comment: This sequence change creates a premature translational stop signal (p.Cys724*) in the TNNI3K gene. It is expected to result in an absent or disrupted protein product. However, the current clinical and genetic evidence is not sufficient to establish whether loss-of-function variants in TNNI3K cause disease. This variant is not present in population databases (gnomAD no frequency). This variant has not been reported in the literature in individuals affected with TNNI3K-related conditions. Algorithms developed to predict the effect of sequence changes on RNA splicing suggest that this variant may disrupt the consensus splice site. In summary, the available evidence is currently insufficient to determine the role of this variant in disease. Therefore, it has been classified as a Variant of Uncertain Significance.

NM_015978.3(TNNI3K):c.2172C>A (p.Cys724Ter)

Genes: FPGT-TNNI3K (FPGT-TNNI3K readthrough; plus strand), LRRC53 (leucine rich repeat containing 53; minus strand), TNNI3K (TNNI3 interacting kinase; plus strand). Cytogenetic location: 1p31.1.
Variant type: single nucleotide variant.
Coding change: c.2172C>A on transcript NM_015978.3 (MANE Select); coding-DNA position 2172, C replaced by A.
Protein change: p.Cys724Ter; replaces cysteine 724 with a stop codon.
Molecular consequence: nonsense. On other transcripts: intron variant (2).
Genome position (GRCh38, 1-based): chr1:74,489,239, C>A. VCF-style: chr1-74489239-C-A. GRCh37 (hg19) VCF-style: chr1-74954923-C-A.
Other names: c.2475C>A, p.Cys825Ter (NM_001112808.3); c.-8-8271G>T (NM_001364666.2); c.-26-5864G>T (NM_001382280.1); short protein forms C724*, C825*.
Identifiers: ClinVar variation 4699266 (VCV004699266.1).